The following is an entry in ClinVar:

NM_000059.4(BRCA2):c.7072_7075delinsCCT (p.Ser2358fs)

Gene: BRCA2 (BRCA2 DNA repair associated; plus strand). Cytogenetic location: 13q13.1.
Variant type: Indel.
Coding change: c.7072_7075delinsCCT on transcript NM_000059.4 (MANE Select); coding-DNA positions 7072 to 7075, TCTA replaced by CCT.
Protein change: p.Ser2358fs; shifts the reading frame from serine 2358.
Molecular consequence: frameshift variant.
Genome position (GRCh38, 1-based): chr13:32,354,925-32,354,928, TCTA replaced by CCT. VCF-style: chr13-32354925-TCTA-CCT. GRCh37 (hg19) VCF-style: chr13-32929062-TCTA-CCT.
Other names: c.6976_6979delTCTAinsCCT, p.Ser2326Profs (NM_001406719.1); c.7072_7075delTCTAinsCCT, p.Ser2358Profs (NM_001406720.1); c.2140_2143delTCTAinsCCT, p.Ser714Profs (NM_001406721.1); c.655_658delTCTAinsCCT, p.Ser219Profs (NM_001406722.1); short protein forms S2358fs.
Identifiers: ClinVar variation 2431282 (VCV002431282.1), dbSNP rs2548540059, ClinGen allele CA2580087382.

ClinVar aggregate classification (germline): Pathogenic (1 of 4 stars; one submission).

Conditions:
Breast-ovarian cancer, familial, susceptibility to, 2 (BROVCA2). Also called: BRCA2 Hereditary Breast and Ovarian Cancer. Identifiers: Orphanet 145, MedGen C2675520, MONDO:0012933, OMIM 612555. Disease mechanism: loss of function.

Submission:

Myriad Genetics, Inc.
Classification: Pathogenic for Breast-ovarian cancer, familial, susceptibility to, 2. Last evaluated: 2023-01-10. Review status: criteria provided, single submitter. Criteria: Myriad Autosomal Dominant, Autosomal Recessive and X-Linked Classification Criteria (2023). Collection method: clinical testing. Allele origin: unknown.
Comment: This variant is considered pathogenic. This variant creates a frameshift predicted to result in premature protein truncation.